The following is an entry in ClinVar:

ClinVar aggregate classification (germline): Uncertain significance. Review status: criteria provided, multiple submitters, no conflicts (2 of 4 stars). 2 submissions from 2 submitters: Uncertain significance (2). Last evaluated 2025-10-18.

Conditions:
Hereditary cancer-predisposing syndrome. Also called: Hereditary Cancer Syndrome; Tumor predisposition; Hereditary neoplastic syndrome; Neoplastic Syndromes, Hereditary. Identifiers: Orphanet 140162, MedGen C0027672, MeSH D009386, MONDO:0015356.

Submissions (2):

Labcorp Genetics (formerly Invitae), Labcorp
Classification: Uncertain significance. Last evaluated: 2025-10-18. Review status: criteria provided, single submitter. Criteria: Invitae Variant Classification Sherloc (09022015). Collection method: clinical testing. Allele origin: germline.
Comment: This sequence change replaces glutamine, which is neutral and polar, with proline, which is neutral and non-polar, at codon 157 of the MSH3 protein (p.Gln157Pro). This variant is not present in population databases (gnomAD no frequency). This variant has not been reported in the literature in individuals affected with MSH3-related conditions. ClinVar contains an entry for this variant (Variation ID: 1046861). An algorithm developed to predict the effect of missense changes on protein structure and function outputs the following: PolyPhen-2: "Benign". The proline amino acid residue is found in multiple mammalian species, which suggests that this missense change does not adversely affect protein function. In summary, the available evidence is currently insufficient to determine the role of this variant in disease. Therefore, it has been classified as a Variant of Uncertain Significance.

Ambry Genetics
Classification: Uncertain significance for Hereditary cancer-predisposing syndrome. Last evaluated: 2025-05-11. Review status: criteria provided, single submitter. Criteria: Ambry Variant Classification Scheme 2023. Collection method: clinical testing. Allele origin: germline.
Comment: The p.Q157P variant (also known as c.470A>C), located in coding exon 3 of the MSH3 gene, results from an A to C substitution at nucleotide position 470. The glutamine at codon 157 is replaced by proline, an amino acid with similar properties. This amino acid position is poorly conserved in available vertebrate species. In addition, this alteration is predicted to be tolerated by in silico analysis. Since supporting evidence is limited at this time, the clinical significance of this alteration remains unclear.

NM_002439.5(MSH3):c.470A>C (p.Gln157Pro)

Gene: MSH3 (mutS homolog 3; plus strand). Cytogenetic location: 5q14.1.
Variant type: single nucleotide variant.
Coding change: c.470A>C on transcript NM_002439.5 (MANE Select); coding-DNA position 470, A replaced by C.
Protein change: p.Gln157Pro; replaces glutamine 157 with proline.
Molecular consequence: missense variant.
Genome position (GRCh38, 1-based): chr5:80,665,254, A>C. VCF-style: chr5-80665254-A-C. GRCh37 (hg19) VCF-style: chr5-79961073-A-C.
Other names: short protein forms Q157P.
Identifiers: ClinVar variation 1046861 (VCV001046861.12), dbSNP rs1348473206, ClinGen allele CA360263646.